The following is an entry in ClinVar:

NM_001369.3(DNAH5):c.6989-6T>C

Gene: DNAH5 (dynein axonemal heavy chain 5; minus strand). Cytogenetic location: 5p15.2.
Variant type: single nucleotide variant.
Coding change: c.6989-6T>C on transcript NM_001369.3 (MANE Select); 6 bases into the intron before coding-DNA position 6989, T replaced by C.
Molecular consequence: intron variant.
Genome position (GRCh38, 1-based): chr5:13,814,852, A>G on the plus strand (T>C on the coding strand, the complement: DNAH5 is on the minus strand). VCF-style: chr5-13814852-A-G. GRCh37 (hg19) VCF-style: chr5-13814961-A-G.
Other names: c.6989-6T>C (NM_001369.2).
Identifiers: ClinVar variation 2040056 (VCV002040056.6), dbSNP rs1761231844, ClinGen allele CA1073397650.

ClinVar aggregate classification (germline): Conflicting classifications of pathogenicity. Review status: criteria provided, conflicting classifications (1 of 4 stars). 3 submissions from 3 submitters: Uncertain significance (1); Likely benign (2). Last evaluated 2025-11-14.

Conditions:
Primary ciliary dyskinesia. Also called: Ciliary dyskinesia. Identifiers: Orphanet 244, MedGen C0008780, MONDO:0016575, HP:0012265.
Primary ciliary dyskinesia 3. Identifiers: Orphanet 244, MedGen C1837618, MONDO:0012085, OMIM 608644.
DNAH5-related disorder. Also called: DNAH5-related condition.

Allele frequency attached by ClinVar (database versions not stated): gnomAD exomes below 0.00001; gnomAD 0.00002.
gnomAD v4.1: 8 of 1,613,400 alleles (0.0005%); highest among the groups gnomAD compares: East Asian, 0.0089%; 1 homozygote.

Submissions (3):

PreventionGenetics, part of Exact Sciences
Classification: Likely benign for DNAH5-related condition. Last evaluated: 2025-11-14. Review status: criteria provided, single submitter. Criteria: ACMG Guidelines, 2015. Collection method: clinical testing. Allele origin: germline.
Comment: This variant is classified as likely benign based on ACMG/AMP sequence variant interpretation guidelines (Richards et al. 2015 PMID: 25741868, with internal and published modifications).

Labcorp Genetics (formerly Invitae), Labcorp
Classification: Likely benign for Primary ciliary dyskinesia. Last evaluated: 2025-06-06. Review status: criteria provided, single submitter. Criteria: Invitae Variant Classification Sherloc (09022015). Collection method: clinical testing. Allele origin: germline.

Fulgent Genetics
Classification: Uncertain significance for Primary ciliary dyskinesia 3. Last evaluated: 2024-05-09. Review status: criteria provided, single submitter. Criteria: ACMG Guidelines, 2015. Collection method: clinical testing. Allele origin: germline.